The following is an entry in ClinVar:

NM_005918.4(MDH2):c.376G>A (p.Ala126Thr)

Gene: MDH2 (malate dehydrogenase 2; plus strand). Cytogenetic location: 7q11.23.
Variant type: single nucleotide variant.
Coding change: c.376G>A on transcript NM_005918.4 (MANE Select); coding-DNA position 376, G replaced by A.
Protein change: p.Ala126Thr; replaces alanine 126 with threonine.
Molecular consequence: missense variant.
Genome position (GRCh38, 1-based): chr7:76,058,025, G>A. VCF-style: chr7-76058025-G-A. GRCh37 (hg19) VCF-style: chr7-75687343-G-A.
Other names: c.376G>A, p.Ala126Thr (NM_001282403.2); c.55G>A, p.Ala19Thr (NM_001282404.2); short protein forms A126T, A19T.
Identifiers: ClinVar variation 1030034 (VCV001030034.11), dbSNP rs371141951, ClinGen allele CA4305513.

ClinVar aggregate classification (germline): Uncertain significance. Review status: criteria provided, multiple submitters, no conflicts (2 of 4 stars). 5 submissions from 5 submitters: Uncertain significance (5). Last evaluated 2024-11-21.

Conditions:
Developmental and epileptic encephalopathy, 51 (DEE51). Also called: Epileptic encephalopathy, early infantile, 51. Identifiers: MedGen C4479208, MONDO:0015025, OMIM 617339.
Inborn genetic diseases. Identifiers: MedGen C0950123, MeSH D030342.

Allele frequency attached by ClinVar (database versions not stated): ExAC 0.00002; gnomAD exomes 0.00002; ESP Exome Variant Server 0.00008; gnomAD 0.00011; TOPMed 0.00012.
gnomAD v4.1: 69 of 1,613,824 alleles (0.0043%); highest among the groups gnomAD compares: Middle Eastern, 0.38%; 2 homozygotes.

Submissions (5):

Labcorp Genetics (formerly Invitae), Labcorp
Classification: Uncertain significance. Last evaluated: 2024-11-21. Review status: criteria provided, single submitter. Criteria: Invitae Variant Classification Sherloc (09022015). Collection method: clinical testing. Allele origin: germline.
Comment: This sequence change replaces alanine, which is neutral and non-polar, with threonine, which is neutral and polar, at codon 126 of the MDH2 protein (p.Ala126Thr). This variant is present in population databases (rs371141951, gnomAD 0.006%). This variant has not been reported in the literature in individuals affected with MDH2-related conditions. ClinVar contains an entry for this variant (Variation ID: 1030034). Invitae Evidence Modeling of protein sequence and biophysical properties (such as structural, functional, and spatial information, amino acid conservation, physicochemical variation, residue mobility, and thermodynamic stability) indicates that this missense variant is not expected to disrupt MDH2 protein function with a negative predictive value of 80%. In summary, the available evidence is currently insufficient to determine the role of this variant in disease. Therefore, it has been classified as a Variant of Uncertain Significance.

Ambry Genetics
Classification: Uncertain significance for Inborn genetic diseases. Last evaluated: 2022-09-21. Review status: criteria provided, single submitter. Criteria: Ambry Variant Classification Scheme 2023. Collection method: clinical testing. Allele origin: germline.
Comment: The p.A126T variant (also known as c.376G>A), located in coding exon 4 of the MDH2 gene, results from a G to A substitution at nucleotide position 376. The alanine at codon 126 is replaced by threonine, an amino acid with similar properties. This amino acid position is conserved. In addition, this alteration is predicted to be tolerated by in silico analysis. Since supporting evidence is limited at this time, the clinical significance of this alteration remains unclear.

Revvity Omics, Revvity
Classification: Uncertain significance for Developmental and epileptic encephalopathy, 51. Last evaluated: 2021-04-13. Review status: criteria provided, single submitter. Criteria: ACMG Guidelines, 2015. Collection method: clinical testing. Allele origin: germline.

Baylor Genetics
Classification: Uncertain significance for Developmental and epileptic encephalopathy, 51. Last evaluated: 2019-08-06. Review status: criteria provided, single submitter. Criteria: ACMG Guidelines, 2015. Collection method: clinical testing. Allele origin: unknown. Affected: yes.
Comment: This variant was determined to be of uncertain significance according to ACMG Guidelines, 2015 [PMID:25741868].

Breakthrough Genomics
Classification: Uncertain significance. Review status: criteria provided, single submitter. Criteria: ACMG Guidelines, 2015. Collection method: not provided. Allele origin: germline. Inheritance: Autosomal recessive inheritance. Affected: yes.